The following is an entry in ClinVar:

NM_005915.6(MCM6):c.458G>A (p.Ser153Asn)

Gene: MCM6 (minichromosome maintenance complex component 6; minus strand). Cytogenetic location: 2q21.3.
Variant type: single nucleotide variant.
Coding change: c.458G>A on transcript NM_005915.6 (MANE Select); coding-DNA position 458, G replaced by A.
Protein change: p.Ser153Asn; replaces serine 153 with asparagine.
Molecular consequence: missense variant.
Genome position (GRCh38, 1-based): chr2:135,868,768, C>T on the plus strand (G>A on the coding strand, the complement: MCM6 is on the minus strand). VCF-style: chr2-135868768-C-T. GRCh37 (hg19) VCF-style: chr2-136626338-C-T.
Other names: short protein forms S153N.
Identifiers: ClinVar variation 3702673 (VCV003702673.2).

ClinVar aggregate classification (germline): Uncertain significance (1 of 4 stars; one submission).

Submission:

Labcorp Genetics (formerly Invitae), Labcorp
Classification: Uncertain significance. Last evaluated: 2024-03-20. Review status: criteria provided, single submitter. Criteria: Invitae Variant Classification Sherloc (09022015). Collection method: clinical testing. Allele origin: germline.
Comment: This sequence change replaces serine, which is neutral and polar, with asparagine, which is neutral and polar, at codon 153 of the MCM6 protein (p.Ser153Asn). This variant is not present in population databases (gnomAD no frequency). This variant has not been reported in the literature in individuals affected with MCM6-related conditions. An algorithm developed to predict the effect of missense changes on protein structure and function (PolyPhen-2) suggests that this variant is likely to be tolerated. In summary, the available evidence is currently insufficient to determine the role of this variant in disease. Therefore, it has been classified as a Variant of Uncertain Significance.